The following is an entry in ClinVar:

ClinVar aggregate classification (germline): Likely pathogenic (1 of 4 stars; one submission).

Allele frequency attached by ClinVar (database versions not stated): gnomAD exomes below 0.00001; ExAC 0.00001; gnomAD 0.00001.
gnomAD v4.1: 3 of 1,614,132 alleles (0.00019%); highest among the groups gnomAD compares: Admixed American, 0.0017%; no homozygotes.

Submission:

Labcorp Genetics (formerly Invitae), Labcorp
Classification: Likely pathogenic. Last evaluated: 2025-12-24. Review status: criteria provided, single submitter. Criteria: Invitae Variant Classification Sherloc (09022015). Collection method: clinical testing. Allele origin: germline.
Comment: This sequence change replaces arginine, which is basic and polar, with histidine, which is basic and polar, at codon 562 of the ADCY5 protein (p.Arg562His). This variant is present in population databases (rs781491004, gnomAD 0.003%). This missense change has been observed in individual(s) with clinical features of dystonia syndrome (internal data). In at least one individual the data is consistent with being in trans (on the opposite chromosome) from a pathogenic variant. ClinVar contains an entry for this variant (Variation ID: 2103501). Invitae Evidence Modeling of protein sequence and biophysical properties (such as structural, functional, and spatial information, amino acid conservation, physicochemical variation, residue mobility, and thermodynamic stability) indicates that this missense variant is expected to disrupt ADCY5 protein function with a positive predictive value of 95%. In summary, the currently available evidence indicates that the variant is pathogenic, but additional data are needed to prove that conclusively. Therefore, this variant has been classified as Likely Pathogenic.

NM_183357.3(ADCY5):c.1685G>A (p.Arg562His)

Gene: ADCY5 (adenylate cyclase 5; minus strand). Cytogenetic location: 3q21.1.
Variant type: single nucleotide variant.
Coding change: c.1685G>A on transcript NM_183357.3 (MANE Select); coding-DNA position 1685, G replaced by A.
Protein change: p.Arg562His; replaces arginine 562 with histidine.
Molecular consequence: missense variant.
Genome position (GRCh38, 1-based): chr3:123,328,764, C>T on the plus strand (G>A on the coding strand, the complement: ADCY5 is on the minus strand). VCF-style: chr3-123328764-C-T. GRCh37 (hg19) VCF-style: chr3-123047611-C-T.
Other names: c.635G>A, p.Arg212His (NM_001199642.1); c.1685G>A, p.Arg562His (NM_001378259.1); short protein forms R212H, R562H.
Identifiers: ClinVar variation 2103501 (VCV002103501.4), dbSNP rs781491004, ClinGen allele CA2577394.
Genomic context (GRCh38, chr3:123,328,764, plus strand): 5'-AACTGCCACTTCCTGAGACCAAGGACACCGCAGTGTACTCGCCCGCTGTGAATTCCCACA[C>T]GCATGTTCACGTTCACCCCTGTCACCTCCCGGACCAACCTGGGGATGGAGCAGGAGTAAA-3'
Protein context (NP_899200.1, residues 552-572): REVTGVNVNM[Arg562His]VGIHSGRVHC